The following is an entry in ClinVar:

NM_025132.4(WDR19):c.371A>G (p.Tyr124Cys)

Gene: WDR19 (WD repeat domain 19; plus strand). Cytogenetic location: 4p14.
Variant type: single nucleotide variant.
Coding change: c.371A>G on transcript NM_025132.4 (MANE Select); coding-DNA position 371, A replaced by G.
Protein change: p.Tyr124Cys; replaces tyrosine 124 with cysteine.
Molecular consequence: missense variant. On other transcripts: intron variant (1).
Genome position (GRCh38, 1-based): chr4:39,194,624, A>G. VCF-style: chr4-39194624-A-G. GRCh37 (hg19) VCF-style: chr4-39196244-A-G.
Other names: c.-75+4843A>G (NM_001317924.2); short protein forms Y124C.
Identifiers: ClinVar variation 1442224 (VCV001442224.6), dbSNP rs2109264795, ClinGen allele CA356631824.

ClinVar aggregate classification (germline): Uncertain significance (1 of 4 stars; one submission).

Conditions:
Senior-Loken syndrome 8 (SLSN8). Identifiers: Orphanet 3156, MedGen C4225376, MONDO:0014579, OMIM 616307.
Asphyxiating thoracic dystrophy 5 (SRTD5). Also called: SHORT-RIB THORACIC DYSPLASIA 5 WITH OR WITHOUT POLYDACTYLY; SHORT-RIB THORACIC DYSPLASIA 5 WITHOUT POLYDACTYLY. Identifiers: Orphanet 474, MedGen C3280598, MONDO:0013717, OMIM 614376.

Allele frequency attached by ClinVar (database versions not stated): gnomAD exomes below 0.00001.
gnomAD v4.1: 1 of 1,613,158 alleles (0.000062%); no homozygotes.

Submission:

Labcorp Genetics (formerly Invitae), Labcorp
Classification: Uncertain significance for Senior-Loken syndrome 8; Asphyxiating thoracic dystrophy 5. Last evaluated: 2021-11-26. Review status: criteria provided, single submitter. Criteria: Invitae Variant Classification Sherloc (09022015). Collection method: clinical testing. Allele origin: germline.
Comment: In summary, the available evidence is currently insufficient to determine the role of this variant in disease. Therefore, it has been classified as a Variant of Uncertain Significance. Algorithms developed to predict the effect of missense changes on protein structure and function (SIFT, PolyPhen-2, Align-GVGD) all suggest that this variant is likely to be disruptive. This variant has not been reported in the literature in individuals affected with WDR19-related conditions. This variant is not present in population databases (gnomAD no frequency). This sequence change replaces tyrosine, which is neutral and polar, with cysteine, which is neutral and slightly polar, at codon 124 of the WDR19 protein (p.Tyr124Cys).